The following is an entry in ClinVar:

ClinVar aggregate classification (germline): Uncertain significance (0 of 4 stars; one submission).

Conditions:
CAPRIN1-related disorder. Also called: CAPRIN1-related condition.

Allele frequency attached by ClinVar (database versions not stated): gnomAD exomes below 0.00001.
gnomAD v4.1: 1 of 1,614,194 alleles (0.000062%); highest among the groups gnomAD compares: Non-Finnish European, 0.000085%; no homozygotes.

Submission:

PreventionGenetics, part of Exact Sciences
Classification: Uncertain significance for CAPRIN1-related condition. Last evaluated: 2024-07-11. Review status: no assertion criteria provided. Collection method: clinical testing. Allele origin: germline.
Comment: The CAPRIN1 c.523G>C variant is predicted to result in the amino acid substitution p.Val175Leu. To our knowledge, this variant has not been reported in the literature. This variant is reported in 0.00088% of alleles in individuals of European (non-Finnish) descent in gnomAD. At this time, the clinical significance of this variant is uncertain due to the absence of conclusive functional and genetic evidence.

NM_005898.5(CAPRIN1):c.523G>C (p.Val175Leu)

Gene: CAPRIN1 (cell cycle associated protein 1; plus strand). Cytogenetic location: 11p13.
Variant type: single nucleotide variant.
Coding change: c.523G>C on transcript NM_005898.5 (MANE Select); coding-DNA position 523, G replaced by C.
Protein change: p.Val175Leu; replaces valine 175 with leucine.
Molecular consequence: missense variant.
Genome position (GRCh38, 1-based): chr11:34,076,392, G>C. VCF-style: chr11-34076392-G-C. GRCh37 (hg19) VCF-style: chr11-34097939-G-C.
Other names: c.523G>C, p.Val175Leu (NM_203364.3); short protein forms V175L.
Identifiers: ClinVar variation 3033054 (VCV003033054.2), dbSNP rs1256361609, ClinGen allele CA380027526.